The following is an entry in ClinVar:

ClinVar aggregate classification (germline): Uncertain significance (1 of 4 stars; one submission).

Submission:

GeneDx
Classification: Uncertain significance. Last evaluated: 2023-10-01. Review status: criteria provided, single submitter. Criteria: GeneDx Variant Classification Process June 2021. Collection method: clinical testing. Allele origin: germline. Affected: yes.
Comment: Not observed at significant frequency in large population cohorts (gnomAD); In silico analysis supports that this missense variant does not alter protein structure/function; Occurs in the triple helical domain at the X position in the canonical Gly-X-Y repeat; although this variant may have an effect on normal protein folding and function, missense substitution at the X position is not a common mechanism of disease (HGMD); Has not been previously published as pathogenic or benign to our knowledge

NM_000089.4(COL1A2):c.1958G>A (p.Gly653Asp)

Gene: COL1A2 (collagen type I alpha 2 chain; plus strand). Cytogenetic location: 7q21.3.
Variant type: single nucleotide variant.
Coding change: c.1958G>A on transcript NM_000089.4 (MANE Select); coding-DNA position 1958, G replaced by A.
Protein change: p.Gly653Asp; replaces glycine 653 with aspartic acid.
Molecular consequence: missense variant.
Genome position (GRCh38, 1-based): chr7:94,417,818, G>A. VCF-style: chr7-94417818-G-A. GRCh37 (hg19) VCF-style: chr7-94047130-G-A.
Other names: short protein forms G653D.
Identifiers: ClinVar variation 3252549 (VCV003252549.1), dbSNP rs2484721900.